The following is an entry in ClinVar:

ClinVar aggregate classification (germline): Conflicting classifications of pathogenicity. Review status: criteria provided, conflicting classifications (1 of 4 stars). 2 submissions from 2 submitters: Uncertain significance (1); Likely benign (1). Last evaluated 2021-09-03.

Submissions (2):

Revvity Omics, Revvity
Classification: Uncertain significance. Last evaluated: 2021-09-03. Review status: criteria provided, single submitter. Criteria: ACMG Guidelines, 2015. Collection method: clinical testing. Allele origin: germline.

GeneDx
Classification: Likely benign. Last evaluated: 2018-05-23. Review status: criteria provided, single submitter. Criteria: GeneDx Variant Classification (06012015). Collection method: clinical testing. Allele origin: germline. Affected: yes.
Comment: This variant is considered likely benign or benign based on one or more of the following criteria: it is a conservative change, it occurs at a poorly conserved position in the protein, it is predicted to be benign by multiple in silico algorithms, and/or has population frequency not consistent with disease.

NM_001267550.2(TTN):c.33206C>T (p.Pro11069Leu)

Gene: TTN (titin; minus strand). Cytogenetic location: 2q31.2.
Variant type: single nucleotide variant.
Coding change: c.33206C>T on transcript NM_001267550.2 (MANE Select); coding-DNA position 33206, C replaced by T.
Protein change: p.Pro11069Leu; replaces proline 11069 with leucine.
Molecular consequence: missense variant. On other transcripts: intron variant (3).
Genome position (GRCh38, 1-based): chr2:178,681,417, G>A on the plus strand (C>T on the coding strand, the complement: TTN is on the minus strand). VCF-style: chr2-178681417-G-A. GRCh37 (hg19) VCF-style: chr2-179546144-G-A.
Other names: c.32255C>T, p.Pro10752Leu (NM_001256850.1); c.29474C>T, p.Pro9825Leu (NM_133378.4); c.13283-39100C>T (NM_003319.4); c.13859-39100C>T (NM_133437.4); c.13658-39100C>T (NM_133432.3); short protein forms P10752L, P11069L, P9825L.
Identifiers: ClinVar variation 668700 (VCV000668700.4), dbSNP rs1577342347, ClinGen allele CA349539537.